The following is an entry in ClinVar:

NM_194248.3(OTOF):c.3864+1G>A

Gene: OTOF (otoferlin; minus strand). Cytogenetic location: 2p23.3.
Variant type: single nucleotide variant.
Coding change: c.3864+1G>A on transcript NM_194248.3 (MANE Select); the canonical splice donor site of the intron after coding-DNA position 3864, G replaced by A.
Molecular consequence: splice donor variant.
Genome position (GRCh38, 1-based): chr2:26,472,518, C>T on the plus strand (G>A on the coding strand, the complement: OTOF is on the minus strand). VCF-style: chr2-26472518-C-T. GRCh37 (hg19) VCF-style: chr2-26695386-C-T.
Other names: c.3864+1G>A (NM_001287489.2); c.1563+1G>A (NM_194323.3, NM_004802.4); c.1794+1G>A (NM_194322.3).
Identifiers: ClinVar variation 667426 (VCV000667426.9), dbSNP rs758918226, ClinGen allele CA1563412.

ClinVar aggregate classification (germline): Pathogenic/Likely pathogenic. Review status: criteria provided, multiple submitters, no conflicts (2 of 4 stars). 3 submissions from 3 submitters: Pathogenic (2); Likely pathogenic (1). Last evaluated 2025-08-05.

Conditions:
Rare genetic deafness. Identifiers: Orphanet 96210, MedGen C5680250.

Allele frequency attached by ClinVar (database versions not stated): ExAC 0.00001; gnomAD 0.00001; gnomAD exomes 0.00001; TOPMed 0.00002.
gnomAD v4.1: 10 of 1,613,380 alleles (0.00062%); highest among the groups gnomAD compares: Non-Finnish European, 0.00085%; no homozygotes.

Submissions (4):

GeneDx
Classification: Pathogenic. Last evaluated: 2025-08-05. Review status: criteria provided, single submitter. Criteria: GeneDx Variant Classification Process June 2021. Collection method: clinical testing. Allele origin: germline. Affected: yes.
Comment: Has not been previously published as pathogenic or benign to our knowledge; Canonical splice site variant predicted to result in a null allele in a gene for which loss of function is a known mechanism of disease; Not observed at significant frequency in large population cohorts (gnomAD)

Labcorp Genetics (formerly Invitae), Labcorp
Classification: Likely pathogenic. Last evaluated: 2023-08-16. Review status: criteria provided, single submitter. Criteria: Invitae Variant Classification Sherloc (09022015). Collection method: clinical testing. Allele origin: germline.
Comment: In summary, the currently available evidence indicates that the variant is pathogenic, but additional data are needed to prove that conclusively. Therefore, this variant has been classified as Likely Pathogenic. Algorithms developed to predict the effect of sequence changes on RNA splicing suggest that this variant may disrupt the consensus splice site. ClinVar contains an entry for this variant (Variation ID: 667426). This variant has not been reported in the literature in individuals affected with OTOF-related conditions. This variant is present in population databases (rs758918226, gnomAD 0.003%). This sequence change affects a donor splice site in intron 30 of the OTOF gene. It is expected to disrupt RNA splicing. Variants that disrupt the donor or acceptor splice site typically lead to a loss of protein function (PMID: 16199547), and loss-of-function variants in OTOF are known to be pathogenic (PMID: 18381613, 19250381, 22575033).

Laboratory for Molecular Medicine, Mass General Brigham Personalized Medicine
Classification: Pathogenic for Rare genetic deafness. Last evaluated: 2018-02-24. Review status: criteria provided, single submitter. Criteria: LMM Criteria. Collection method: clinical testing. Allele origin: germline. Observed: 1 variant allele.
Comment: The c.3864+1G>A variant in OTOF has not been previously reported in individuals with hearing loss, but has been identified in 3/111590 European chromosomes by t he Genome Aggregation Database (gnomAD; dbSNP rs758918226). Although this variant has been seen in the general population, its frequency is not high enough to rule out a pathogenic role. This variant occurs in the invariant region (+1) of the splice consensus sequence and is predicted to cause altered splicing leading to an abnormal or absent protein. In summary, the c.3864+1G>A variant meets criteria to be classified as pathogenic. ACMG/AMP Criteria applied: PVS1; PM2.

Dr. Peter K. Rogan Lab, Western University
No classification provided (evidence only). Condition: Sarcoma. Review status: no classification provided. Collection method: in vitro. Allele origin: not applicable. Functional consequence: retained intron. Not counted in ClinVar's aggregate classification.

Literature cited by the submitters: PubMed 16199547 (cited by Labcorp Genetics (formerly Invitae), Labcorp); PubMed 18381613 (cited by Labcorp Genetics (formerly Invitae), Labcorp); PubMed 19250381 (cited by Labcorp Genetics (formerly Invitae), Labcorp); PubMed 22575033 (cited by Labcorp Genetics (formerly Invitae), Labcorp).